The following is an entry in ClinVar:

NM_000291.4(PGK1):c.293A>G (p.Asp98Gly)

Gene: PGK1 (phosphoglycerate kinase 1; plus strand). Cytogenetic location: Xq21.1.
Variant type: single nucleotide variant.
Coding change: c.293A>G on transcript NM_000291.4 (MANE Select); coding-DNA position 293, A replaced by G.
Protein change: p.Asp98Gly; replaces aspartic acid 98 with glycine.
Molecular consequence: missense variant.
Genome position (GRCh38, 1-based): chrX:78,114,036, A>G. VCF-style: chrX-78114036-A-G. GRCh37 (hg19) VCF-style: chrX-77369533-A-G.
Other names: short protein forms D98G.
Identifiers: ClinVar variation 1998234 (VCV001998234.5), dbSNP rs2522487380, ClinGen allele CA413719550.

ClinVar aggregate classification (germline): Uncertain significance. Review status: criteria provided, multiple submitters, no conflicts (2 of 4 stars). 2 submissions from 2 submitters: Uncertain significance (2). Last evaluated 2025-04-28.

Submissions (2):

GeneDx
Classification: Uncertain significance. Last evaluated: 2025-04-28. Review status: criteria provided, single submitter. Criteria: GeneDx Variant Classification Process June 2021. Collection method: clinical testing. Allele origin: germline. Affected: yes.
Comment: Not observed at significant frequency in large population cohorts (gnomAD); In silico analysis supports that this missense variant has a deleterious effect on protein structure/function; In silico analysis suggests this variant may impact gene splicing. In the absence of RNA/functional studies, the actual effect of this sequence change is unknown.; Has not been previously published as pathogenic or benign to our knowledge

Labcorp Genetics (formerly Invitae), Labcorp
Classification: Uncertain significance. Last evaluated: 2022-05-24. Review status: criteria provided, single submitter. Criteria: Invitae Variant Classification Sherloc (09022015). Collection method: clinical testing. Allele origin: germline.
Comment: In summary, the available evidence is currently insufficient to determine the role of this variant in disease. Therefore, it has been classified as a Variant of Uncertain Significance. Algorithms developed to predict the effect of sequence changes on RNA splicing suggest that this variant may create or strengthen a splice site. Algorithms developed to predict the effect of missense changes on protein structure and function are either unavailable or do not agree on the potential impact of this missense change (SIFT: "Tolerated"; PolyPhen-2: "Probably Damaging"; Align-GVGD: "Class C0"). This variant has not been reported in the literature in individuals affected with PGK1-related conditions. This variant is not present in population databases (gnomAD no frequency). This sequence change replaces aspartic acid, which is acidic and polar, with glycine, which is neutral and non-polar, at codon 98 of the PGK1 protein (p.Asp98Gly).